The following is an entry in ClinVar:

NM_001114753.3(ENG):c.982T>A (p.Ser328Thr)

Gene: ENG (endoglin; minus strand). Cytogenetic location: 9q34.11.
Variant type: single nucleotide variant.
Coding change: c.982T>A on transcript NM_001114753.3 (MANE Select); coding-DNA position 982, T replaced by A.
Protein change: p.Ser328Thr; replaces serine 328 with threonine.
Molecular consequence: missense variant.
Genome position (GRCh38, 1-based): chr9:127,824,809, A>T on the plus strand (T>A on the coding strand, the complement: ENG is on the minus strand). VCF-style: chr9-127824809-A-T. GRCh37 (hg19) VCF-style: chr9-130587088-A-T.
Other names: c.982T>A, p.Ser328Thr (NM_000118.4, NM_001406715.1); c.436T>A, p.Ser146Thr (NM_001278138.2); short protein forms S146T, S328T.
Identifiers: ClinVar variation 2770418 (VCV002770418.3), dbSNP rs2539072648, ClinGen allele CA374981931.

ClinVar aggregate classification (germline): Uncertain significance (1 of 4 stars; one submission).

Conditions:
Hereditary hemorrhagic telangiectasia (HHT). Also called: ORW DISEASE; Osler Weber Rendu syndrome; OSLER-RENDU-WEBER DISEASE; Osler hemorrhagic telangiectasia syndrome. Identifiers: Orphanet 774, MedGen C0039445, MONDO:0019180. Disease mechanism: loss of function.

Submission:

Labcorp Genetics (formerly Invitae), Labcorp
Classification: Uncertain significance for Hereditary hemorrhagic telangiectasia. Last evaluated: 2023-10-23. Review status: criteria provided, single submitter. Criteria: Invitae Variant Classification Sherloc (09022015). Collection method: clinical testing. Allele origin: germline.
Comment: This sequence change replaces serine, which is neutral and polar, with threonine, which is neutral and polar, at codon 328 of the ENG protein (p.Ser328Thr). This variant is not present in population databases (gnomAD no frequency). This variant has not been reported in the literature in individuals affected with ENG-related conditions. Advanced modeling of protein sequence and biophysical properties (such as structural, functional, and spatial information, amino acid conservation, physicochemical variation, residue mobility, and thermodynamic stability) performed at Invitae indicates that this missense variant is not expected to disrupt ENG protein function. In summary, the available evidence is currently insufficient to determine the role of this variant in disease. Therefore, it has been classified as a Variant of Uncertain Significance.